The following is an entry in ClinVar:

NM_001098511.3(KIF2A):c.1030C>G (p.Arg344Gly)

Gene: KIF2A (kinesin family member 2A; plus strand). Cytogenetic location: 5q12.1.
Variant type: single nucleotide variant.
Coding change: c.1030C>G on transcript NM_001098511.3 (MANE Select); coding-DNA position 1030, C replaced by G.
Protein change: p.Arg344Gly; replaces arginine 344 with glycine.
Molecular consequence: missense variant.
Genome position (GRCh38, 1-based): chr5:62,362,452, C>G. VCF-style: chr5-62362452-C-G. GRCh37 (hg19) VCF-style: chr5-61658279-C-G.
Other names: c.949C>G, p.Arg317Gly (NM_001243952.2); c.973C>G, p.Arg325Gly (NM_001243953.2); c.1030C>G, p.Arg344Gly (NM_004520.5); short protein forms R317G, R325G, R344G.
Identifiers: ClinVar variation 3684213 (VCV003684213.2).

ClinVar aggregate classification (germline): Uncertain significance (1 of 4 stars; one submission).

gnomAD v4.1: 2 of 1,414,446 alleles (0.00014%); highest among the groups gnomAD compares: African/African-American, 0.0015%; no homozygotes.

Submission:

Labcorp Genetics (formerly Invitae), Labcorp
Classification: Uncertain significance. Last evaluated: 2026-01-11. Review status: criteria provided, single submitter. Criteria: Invitae Variant Classification Sherloc (09022015). Collection method: clinical testing. Allele origin: germline.
Comment: This sequence change replaces arginine, which is basic and polar, with glycine, which is neutral and non-polar, at codon 344 of the KIF2A protein (p.Arg344Gly). This variant is not present in population databases (gnomAD no frequency). This variant has not been reported in the literature in individuals affected with KIF2A-related conditions. ClinVar contains an entry for this variant (Variation ID: 3684213). An algorithm developed to predict the effect of missense changes on protein structure and function (PolyPhen-2) suggests that this variant is likely to be tolerated. In summary, the available evidence is currently insufficient to determine the role of this variant in disease. Therefore, it has been classified as a Variant of Uncertain Significance.